The following is an entry in ClinVar:

NM_213599.3(ANO5):c.1630+181A>G

Gene: ANO5 (anoctamin 5; plus strand). Cytogenetic location: 11p14.3.
Variant type: single nucleotide variant.
Coding change: c.1630+181A>G on transcript NM_213599.3 (MANE Select); 181 bases into the intron after coding-DNA position 1630, A replaced by G.
Molecular consequence: intron variant.
Genome position (GRCh38, 1-based): chr11:22,259,922, A>G. VCF-style: chr11-22259922-A-G. GRCh37 (hg19) VCF-style: chr11-22281468-A-G.
Other names: c.1627+181A>G (NM_001142649.2).
Identifiers: ClinVar variation 140551 (VCV000140551.3), dbSNP rs7108392, ClinGen allele CA232783.
Genomic context (GRCh38, chr11:22,259,922, plus strand): 5'-TCTATAAATAGACCCATATCTGCTATTTCAAAATTGCTCAAGAGCCACCATTCAAGGTCC[A>G]TTATAAAGGAAGAGGCAAAATAACTGAAAAAAAAAAAAAAGAATTCTGACTCTATATATC-3'

ClinVar aggregate classification (germline): Benign. Review status: criteria provided, single submitter (1 of 4 stars). 2 submissions from 2 submitters: Benign (1). 1 of the submissions does not count toward it. Last evaluated 2018-06-18.

Allele frequency attached by ClinVar (database versions not stated): gnomAD 0.06620 and 0.07152; 1000 Genomes Project 0.07169; TOPMed 0.07409; 1000 Genomes Project 30x 0.07683.
gnomAD v4.1: 9,726 of 148,334 alleles (6.6%); highest among the groups gnomAD compares: African/African-American, 23%; 1,069 homozygotes.

Submissions (3):

GeneDx
Classification: Benign. Last evaluated: 2018-06-18. Review status: criteria provided, single submitter. Criteria: GeneDx Variant Classification (06012015). Collection method: clinical testing. Allele origin: germline. Affected: yes.
Comment: This variant is considered likely benign or benign based on one or more of the following criteria: it is a conservative change, it occurs at a poorly conserved position in the protein, it is predicted to be benign by multiple in silico algorithms, and/or has population frequency not consistent with disease.

ANO5 @LOVD
No classification provided. Review status: no classification provided. Collection method: not provided. Allele origin: unknown. Not counted in ClinVar's aggregate classification.

Dr. Peter K. Rogan Lab, Western University
No classification provided (evidence only). Condition: Ovarian serous cystadenocarcinoma. Review status: no classification provided. Collection method: in vitro. Allele origin: not applicable. Functional consequence: retained intron. Not counted in ClinVar's aggregate classification.